The following is an entry in ClinVar:

NM_000222.3(KIT):c.391G>A (p.Asp131Asn)

Gene: KIT (KIT proto-oncogene, receptor tyrosine kinase; plus strand). Cytogenetic location: 4q12.
Variant type: single nucleotide variant.
Coding change: c.391G>A on transcript NM_000222.3 (MANE Select); coding-DNA position 391, G replaced by A.
Protein change: p.Asp131Asn; replaces aspartic acid 131 with asparagine.
Molecular consequence: missense variant.
Genome position (GRCh38, 1-based): chr4:54,698,337, G>A. VCF-style: chr4-54698337-G-A. GRCh37 (hg19) VCF-style: chr4-55564503-G-A.
Other names: c.391G>A, p.Asp131Asn (NM_001093772.2, NM_001385284.1, NM_001385285.1 and 4 more transcripts); short protein forms D131N.
Identifiers: ClinVar variation 409719 (VCV000409719.19), dbSNP rs1044091916, ClinGen allele CA16611486.

ClinVar aggregate classification (germline): Conflicting classifications of pathogenicity. Review status: criteria provided, conflicting classifications (1 of 4 stars). 6 submissions from 6 submitters: Uncertain significance (5); Likely benign (1). Last evaluated 2026-05-26.

Conditions:
Gastrointestinal stromal tumor. Also called: Gastrointestinal stroma tumor; Gastrointestinal stromal tumor, somatic. Identifiers: Orphanet 44890, MedGen C0238198, MeSH D046152, MONDO:0011719, OMIM 606764, HP:0100723.
Hereditary cancer-predisposing syndrome. Also called: Neoplastic Syndromes, Hereditary; Hereditary Cancer Syndrome; Hereditary neoplastic syndrome; Tumor predisposition. Identifiers: Orphanet 140162, MedGen C0027672, MeSH D009386, MONDO:0015356.

Allele frequency attached by ClinVar (database versions not stated): gnomAD exomes 0.00001; gnomAD 0.00004; TOPMed 0.00004.
gnomAD v4.1: 63 of 1,613,938 alleles (0.0039%); highest among the groups gnomAD compares: Non-Finnish European, 0.0048%; no homozygotes.

Submissions (6):

Myriad Genetics, Inc.
Classification: Likely benign for Gastrointestinal stromal tumor. Last evaluated: 2026-05-26. Review status: criteria provided, single submitter. Criteria: Myriad Autosomal Dominant, Autosomal Recessive and X-Linked Classification Criteria (2023). Collection method: clinical testing. Allele origin: unknown.
Comment: This variant is considered likely benign. This variant has been observed at a population frequency that is significantly greater than expected given the associated disease prevalence and penetrance.

Labcorp Genetics (formerly Invitae), Labcorp
Classification: Uncertain significance for Gastrointestinal stromal tumor. Last evaluated: 2026-01-19. Review status: criteria provided, single submitter. Criteria: Invitae Variant Classification Sherloc (09022015). Collection method: clinical testing. Allele origin: germline.
Comment: This sequence change replaces aspartic acid, which is acidic and polar, with asparagine, which is neutral and polar, at codon 131 of the KIT protein (p.Asp131Asn). This variant is present in population databases (no rsID available, gnomAD 0.004%). This variant has not been reported in the literature in individuals affected with KIT-related conditions. ClinVar contains an entry for this variant (Variation ID: 409719). An algorithm developed to predict the effect of missense changes on protein structure and function (PolyPhen-2) suggests that this variant is likely to be disruptive. In summary, the available evidence is currently insufficient to determine the role of this variant in disease. Therefore, it has been classified as a Variant of Uncertain Significance.

Ambry Genetics
Classification: Uncertain significance for Hereditary cancer-predisposing syndrome. Last evaluated: 2025-09-16. Review status: criteria provided, single submitter. Criteria: Ambry Variant Classification Scheme 2023. Collection method: clinical testing. Allele origin: germline.
Comment: The p.D131N variant (also known as c.391G>A), located in coding exon 3 of the KIT gene, results from a G to A substitution at nucleotide position 391. The aspartic acid at codon 131 is replaced by asparagine, an amino acid with highly similar properties. This amino acid position is highly conserved in available vertebrate species. In addition, this alteration is predicted to be tolerated by in silico analysis. Since supporting evidence is limited at this time, the clinical significance of this alteration remains unclear.

GeneDx
Classification: Uncertain significance. Last evaluated: 2024-07-24. Review status: criteria provided, single submitter. Criteria: GeneDx Variant Classification Process June 2021. Collection method: clinical testing. Allele origin: germline. Affected: yes.
Comment: Not observed at significant frequency in large population cohorts (gnomAD); In silico analysis indicates that this missense variant does not alter protein structure/function; Has not been previously published as pathogenic or benign to our knowledge

Baylor Genetics
Classification: Uncertain significance for Gastrointestinal stromal tumor. Last evaluated: 2024-02-23. Review status: criteria provided, single submitter. Criteria: ACMG Guidelines, 2015. Collection method: clinical testing. Allele origin: unknown.

St. Jude Molecular Pathology, St. Jude Children's Research Hospital
Classification: Uncertain significance for Gastrointestinal stromal tumor. Last evaluated: 2023-10-23. Review status: criteria provided, single submitter. Criteria: St. Jude Assertion Criteria 2020. Collection method: clinical testing. Allele origin: germline.
Comment: The KIT c.391G>A (p.Asp131Asn) missense change has a maximum subpopulation frequency of 0.004% in gnomAD v2.1.1. The in silico tool REVEL is inconclusive about a pathogenic or benign effect of this variant on protein function, and to our knowledge functional studies have not been performed. To our knowledge, this variant has not been reported in individuals with KIT-associated phenotypes. In summary, the evidence currently available is insufficient to determine the clinical significance of this variant. It has therefore been classified as of uncertain significance.